The following is an entry in ClinVar:

ClinVar aggregate classification (germline): Pathogenic/Likely pathogenic. Review status: criteria provided, multiple submitters, no conflicts (2 of 4 stars). 2 submissions from 2 submitters: Pathogenic (1); Likely pathogenic (1). Last evaluated 2018-11-17.

Conditions:
Progressive sclerosing poliodystrophy (MTDPS4A). Also called: Mitochondrial DNA depletion syndrome 4A (Alpers type); Alpers Syndrome; ALPERS DIFFUSE DEGENERATION OF CEREBRAL GRAY MATTER WITH HEPATIC CIRRHOSIS; Mitochondrial DNA Depletion Syndrome 4A; Alpers-Huttenlocher Syndrome (AHS); ALPERS PROGRESSIVE INFANTILE POLIODYSTROPHY. Identifiers: Orphanet 726, MedGen C0205710, MONDO:0008758, OMIM 203700.

Submissions (2):

Baylor Genetics
Classification: Pathogenic for Progressive sclerosing poliodystrophy. Last evaluated: 2018-11-17. Review status: criteria provided, single submitter. Criteria: ACMG Guidelines, 2015. Collection method: clinical testing. Allele origin: paternal. Affected: yes.
Comment: This variant was determined to be pathogenic according to ACMG Guidelines, 2015 [PMID:25741868].

GeneDx
Classification: Likely pathogenic. Last evaluated: 2018-02-26. Review status: criteria provided, single submitter. Criteria: GeneDx Variant Classification (06012015). Collection method: clinical testing. Allele origin: germline. Affected: yes.
Comment: A novel c.3424dupC variant that is likely pathogenic has been identified in the POLG gene. The c.3424dupC variant has not been published as a pathogenic variant, nor has it been reported as a benign variant to our knowledge. It was not observed in approximately 6,500 individuals of European and African American ancestry in the NHLBI Exome Sequencing Project, indicating it is not a common benign variant in these populations. The c.3424dupC variant causes a frameshift starting with codon Arginine 1142, changes this amino acid to a Proline residue and creates a premature Stop codon at position 31 of the new reading frame, denoted p.Arg1142ProfsX31. This variant is predicted to cause loss of normal protein function either through protein truncation or nonsense-mediated mRNA decay. Therefore, this variant is likely pathogenic; however, the possibility that it is benign cannot be excluded.

NM_002693.3(POLG):c.3424dup (p.Arg1142fs)

Gene: POLG (DNA polymerase gamma, catalytic subunit; minus strand). Cytogenetic location: 15q26.1.
Variant type: Duplication.
Coding change: c.3424dup on transcript NM_002693.3 (MANE Select); coding-DNA position 3424, one base duplicated (C; older notation c.3424dupC).
Protein change: p.Arg1142fs; shifts the reading frame from arginine 1142.
Molecular consequence: frameshift variant.
Genome position (GRCh38, 1-based): chr15:89,318,599, G duplicated on the plus strand (C on the coding strand, the reverse complement: POLG is on the minus strand). VCF-style (leftmost placement, unchanged base first): chr15-89318598-C-CG. GRCh37 (hg19) VCF-style: chr15-89861829-C-CG.
Other names: c.3424dup, p.Arg1142fs (NM_001126131.2); c.3424dupC (NM_002693.2); short protein forms R1142fs.
Identifiers: ClinVar variation 422438 (VCV000422438.3), dbSNP rs1555452453, ClinGen allele CA16620017.